The following is an entry in ClinVar:

ClinVar aggregate classification (germline): Uncertain significance (1 of 4 stars; one submission).

gnomAD v4.1: 1 of 1,497,618 alleles (0.000067%); highest among the groups gnomAD compares: Non-Finnish European, 0.000089%; no homozygotes.

Submission:

Ambry Genetics
Classification: Uncertain significance. Last evaluated: 2026-07-01. Review status: criteria provided, single submitter. Criteria: Ambry Variant Classification Scheme 2023. Collection method: clinical testing. Allele origin: germline.
Comment: The p.S225T variant (also known as c.674G>C), located in coding exon 1 of the TBC1D12 gene, results from a G to C substitution at nucleotide position 674. The serine at codon 225 is replaced by threonine, an amino acid with similar properties. This amino acid position is conserved. In addition, this alteration is predicted to be tolerated by in silico analysis. Based on the available evidence, the clinical significance of this variant remains unclear.

NM_015188.2(TBC1D12):c.674G>C (p.Ser225Thr)

Gene: TBC1D12 (TBC1 domain family member 12; plus strand). Cytogenetic location: 10q23.33.
Variant type: single nucleotide variant.
Coding change: c.674G>C on transcript NM_015188.2 (MANE Select); coding-DNA position 674, G replaced by C.
Protein change: p.Ser225Thr; replaces serine 225 with threonine.
Molecular consequence: missense variant.
Genome position (GRCh38, 1-based): chr10:94,403,287, G>C. VCF-style: chr10-94403287-G-C. GRCh37 (hg19) VCF-style: chr10-96163044-G-C.
Other names: short protein forms S225T.
Identifiers: ClinVar variation 3324601 (VCV003324601.2).
Genomic context (GRCh38, chr10:94,403,287, plus strand): 5'-TGGCCGCGGACGCCCAGGAGCCCGAGGGCGCGGGCAGCGACTCGGGGGACAGCCCCGCCA[G>C]CAGCTGCAGCAGTAGCGAGGACTCAGAGCAGCGGGGAGTCGGCGCCGGGGGTCCCGAGGA-3'
Protein context (NP_056003.1, residues 215-235): AGSDSGDSPA[Ser225Thr]SCSSSEDSEQ